The following is an entry in ClinVar:

NM_001384732.1(CPLANE1):c.9227G>A (p.Gly3076Glu)

Gene: CPLANE1 (ciliogenesis and planar polarity effector complex subunit 1; minus strand). Cytogenetic location: 5p13.2.
Variant type: single nucleotide variant.
Coding change: c.9227G>A on transcript NM_001384732.1 (MANE Select); coding-DNA position 9227, G replaced by A.
Protein change: p.Gly3076Glu; replaces glycine 3076 with glutamic acid.
Molecular consequence: missense variant.
Genome position (GRCh38, 1-based): chr5:37,120,299, C>T on the plus strand (G>A on the coding strand, the complement: CPLANE1 is on the minus strand). VCF-style: chr5-37120299-C-T. GRCh37 (hg19) VCF-style: chr5-37120401-C-T.
Other names: c.9065G>A, p.Gly3022Glu (NM_023073.4); short protein forms G3022E, G3076E.
Identifiers: ClinVar variation 1485587 (VCV001485587.5), dbSNP rs376064818, ClinGen allele CA3237528.

ClinVar aggregate classification (germline): Uncertain significance. Review status: criteria provided, multiple submitters, no conflicts (2 of 4 stars). 2 submissions from 2 submitters: Uncertain significance (2). Last evaluated 2024-06-20.

Conditions:
Orofaciodigital syndrome type 6 (OFD6). Also called: OROFACIODIGITAL SYNDROME VI; OFDS VI; POLYDACTYLY, CLEFT LIP/PALATE OR LINGUAL LUMP, AND PSYCHOMOTOR RETARDATION; VARADI SYNDROME; VARADI-PAPP SYNDROME; Oral-facial-digital syndrome type 6. Identifiers: Orphanet 2754, MedGen C2745997, MONDO:0010176, OMIM 277170.
Joubert syndrome 17 (JBTS17). Identifiers: Orphanet 475, MedGen C3553264, MONDO:0013824, OMIM 614615.

Allele frequency attached by ClinVar (database versions not stated): ExAC 0.00002; gnomAD exomes 0.00003; ESP Exome Variant Server 0.00015.
gnomAD v4.1: 106 of 1,595,044 alleles (0.0066%); highest among the groups gnomAD compares: Non-Finnish European, 0.008%; no homozygotes.

Submissions (2):

Fulgent Genetics
Classification: Uncertain significance for Orofaciodigital syndrome type 6; Joubert syndrome 17. Last evaluated: 2024-06-20. Review status: criteria provided, single submitter. Criteria: ACMG Guidelines, 2015. Collection method: clinical testing. Allele origin: germline.

Labcorp Genetics (formerly Invitae), Labcorp
Classification: Uncertain significance. Last evaluated: 2022-08-31. Review status: criteria provided, single submitter. Criteria: Invitae Variant Classification Sherloc (09022015). Collection method: clinical testing. Allele origin: germline.
Comment: This sequence change replaces glycine, which is neutral and non-polar, with glutamic acid, which is acidic and polar, at codon 3022 of the CPLANE1 protein (p.Gly3022Glu). This variant is present in population databases (rs376064818, gnomAD 0.009%). This variant has not been reported in the literature in individuals affected with CPLANE1-related conditions. ClinVar contains an entry for this variant (Variation ID: 1485587). Advanced modeling of protein sequence and biophysical properties (such as structural, functional, and spatial information, amino acid conservation, physicochemical variation, residue mobility, and thermodynamic stability) performed at Invitae indicates that this missense variant is not expected to disrupt CPLANE1 protein function. In summary, the available evidence is currently insufficient to determine the role of this variant in disease. Therefore, it has been classified as a Variant of Uncertain Significance.